The following is an entry in ClinVar:

NM_000079.4(CHRNA1):c.35T>C (p.Leu12Pro)

Gene: CHRNA1 (cholinergic receptor nicotinic alpha 1 subunit; minus strand). Cytogenetic location: 2q31.1.
Variant type: single nucleotide variant.
Coding change: c.35T>C on transcript NM_000079.4 (MANE Select); coding-DNA position 35, T replaced by C.
Protein change: p.Leu12Pro; replaces leucine 12 with proline.
Molecular consequence: missense variant.
Genome position (GRCh38, 1-based): chr2:174,764,360, A>G on the plus strand (T>C on the coding strand, the complement: CHRNA1 is on the minus strand). VCF-style: chr2-174764360-A-G. GRCh37 (hg19) VCF-style: chr2-175629088-A-G.
Other names: c.35T>C, p.Leu12Pro (NM_001039523.3); short protein forms L12P.
Identifiers: ClinVar variation 660999 (VCV000660999.8), dbSNP rs765824911, ClinGen allele CA1974727.

ClinVar aggregate classification (germline): Uncertain significance (1 of 4 stars; one submission).

Conditions:
Lethal multiple pterygium syndrome (LMPS). Identifiers: Orphanet 33108, MedGen C1854678, MONDO:0009668, OMIM 253290.

Allele frequency attached by ClinVar (database versions not stated): gnomAD exomes 0.00001; ExAC 0.00003.

Submission:

Labcorp Genetics (formerly Invitae), Labcorp
Classification: Uncertain significance for Lethal multiple pterygium syndrome. Last evaluated: 2023-10-03. Review status: criteria provided, single submitter. Criteria: Invitae Variant Classification Sherloc (09022015). Collection method: clinical testing. Allele origin: germline.
Comment: This sequence change replaces leucine, which is neutral and non-polar, with proline, which is neutral and non-polar, at codon 12 of the CHRNA1 protein (p.Leu12Pro). This variant is present in population databases (rs765824911, gnomAD 0.003%). This variant has not been reported in the literature in individuals affected with CHRNA1-related conditions. ClinVar contains an entry for this variant (Variation ID: 660999). An algorithm developed to predict the effect of missense changes on protein structure and function (PolyPhen-2) suggests that this variant is likely to be disruptive. In summary, the available evidence is currently insufficient to determine the role of this variant in disease. Therefore, it has been classified as a Variant of Uncertain Significance.